The following is an entry in ClinVar:

NM_001378454.1(ALMS1):c.249C>A (p.His83Gln)

Gene: ALMS1 (ALMS1 centrosome and basal body associated protein; plus strand). Cytogenetic location: 2p13.1.
Variant type: single nucleotide variant.
Coding change: c.249C>A on transcript NM_001378454.1 (MANE Select); coding-DNA position 249, C replaced by A.
Protein change: p.His83Gln; replaces histidine 83 with glutamine.
Molecular consequence: missense variant.
Genome position (GRCh38, 1-based): chr2:73,386,117, C>A. VCF-style: chr2-73386117-C-A. GRCh37 (hg19) VCF-style: chr2-73613245-C-A.
Other names: c.252C>A, p.His84Gln (NM_015120.4); short protein forms H83Q, H84Q.
Identifiers: ClinVar variation 1792645 (VCV001792645.7), dbSNP rs772450464, ClinGen allele CA1712779.

ClinVar aggregate classification (germline): Conflicting classifications of pathogenicity. Review status: criteria provided, conflicting classifications (1 of 4 stars). 2 submissions from 2 submitters: Uncertain significance (1); Benign (1). Last evaluated 2025-06-06.

Conditions:
Alstrom syndrome (ALMS). Identifiers: Orphanet 64, MedGen C0268425, MONDO:0008763, OMIM 203800.
Cardiovascular phenotype. Identifiers: MedGen CN230736.

Allele frequency attached by ClinVar (database versions not stated): gnomAD 0.00001; TOPMed 0.00002; ExAC 0.00020.
gnomAD v4.1: 24 of 1,581,950 alleles (0.0015%); highest among the groups gnomAD compares: East Asian, 0.044%; no homozygotes.

Submissions (2):

Ambry Genetics
Classification: Benign for Cardiovascular phenotype. Last evaluated: 2025-06-06. Review status: criteria provided, single submitter. Criteria: Ambry Variant Classification Scheme 2023. Collection method: clinical testing. Allele origin: germline.

Labcorp Genetics (formerly Invitae), Labcorp
Classification: Uncertain significance for Alstrom syndrome. Last evaluated: 2025-03-18. Review status: criteria provided, single submitter. Criteria: Invitae Variant Classification Sherloc (09022015). Collection method: clinical testing. Allele origin: germline.
Comment: This sequence change replaces histidine, which is basic and polar, with glutamine, which is neutral and polar, at codon 84 of the ALMS1 protein (p.His84Gln). This variant is present in population databases (rs772450464, gnomAD 0.1%). This missense change has been observed in individual(s) with steroid-resistant nephrotic syndrome (PMID: 36646731). ClinVar contains an entry for this variant (Variation ID: 1792645). An algorithm developed to predict the effect of missense changes on protein structure and function outputs the following: PolyPhen-2: "Not Available". The glutamine amino acid residue is found in multiple mammalian species, which suggests that this missense change does not adversely affect protein function. In summary, the available evidence is currently insufficient to determine the role of this variant in disease. Therefore, it has been classified as a Variant of Uncertain Significance.

Literature cited by the submitters: PubMed 36646731 (cited by Labcorp Genetics (formerly Invitae), Labcorp).